The following is an entry in ClinVar:

ClinVar aggregate classification (germline): Benign/Likely benign. Review status: criteria provided, multiple submitters, no conflicts (2 of 4 stars). 2 submissions from 2 submitters: Benign (1); Likely benign (1). Last evaluated 2025-08-08.

Conditions:
PIEZO1-related disorder. Also called: PIEZO1-related condition; PIEZO1-Related Disorders.

Allele frequency attached by ClinVar (database versions not stated): TOPMed 0.00005; gnomAD exomes 0.00006; gnomAD 0.00007; ExAC 0.00021.
gnomAD v4.1: 95 of 1,532,678 alleles (0.0062%); highest among the groups gnomAD compares: South Asian, 0.044%; no homozygotes.

Submissions (2):

PreventionGenetics, part of Exact Sciences
Classification: Likely benign for PIEZO1-related condition. Last evaluated: 2025-08-08. Review status: criteria provided, single submitter. Criteria: ACMG Guidelines, 2015. Collection method: clinical testing. Allele origin: germline.
Comment: This variant is classified as likely benign based on ACMG/AMP sequence variant interpretation guidelines (Richards et al. 2015 PMID: 25741868, with internal and published modifications).

Labcorp Genetics (formerly Invitae), Labcorp
Classification: Benign. Last evaluated: 2024-02-23. Review status: criteria provided, single submitter. Criteria: Invitae Variant Classification Sherloc (09022015). Collection method: clinical testing. Allele origin: germline.

NM_001142864.4(PIEZO1):c.1233G>A (p.Pro411=)

Genes: HSALR1 (HSP90AB1 associated lncRNA 1; plus strand), PIEZO1 (piezo type mechanosensitive ion channel component 1 (Er blood group); minus strand). Cytogenetic location: 16q24.3.
Variant type: single nucleotide variant.
Coding change: c.1233G>A on transcript NM_001142864.4 (MANE Select); coding-DNA position 1233, G replaced by A.
Protein change: p.Pro411=; no amino-acid change (proline 411 retained).
Molecular consequence: synonymous variant.
Genome position (GRCh38, 1-based): chr16:88,736,702, C>T on the plus strand (G>A on the coding strand, the complement: PIEZO1 is on the minus strand). VCF-style: chr16-88736702-C-T. GRCh37 (hg19) VCF-style: chr16-88803110-C-T.
Other names: c.1233G>A (NM_001142864.3).
Identifiers: ClinVar variation 2729656 (VCV002729656.4), dbSNP rs764125181, ClinGen allele CA8233054.